The following is an entry in ClinVar:

NM_031935.3(HMCN1):c.12473G>A (p.Ser4158Asn)

Gene: HMCN1 (hemicentin 1; plus strand). Cytogenetic location: 1q31.1.
Variant type: single nucleotide variant.
Coding change: c.12473G>A on transcript NM_031935.3 (MANE Select); coding-DNA position 12473, G replaced by A.
Protein change: p.Ser4158Asn; replaces serine 4158 with asparagine.
Molecular consequence: missense variant.
Genome position (GRCh38, 1-based): chr1:186,123,194, G>A. VCF-style: chr1-186123194-G-A. GRCh37 (hg19) VCF-style: chr1-186092326-G-A.
Other names: short protein forms S4158N.
Identifiers: ClinVar variation 4761237 (VCV004761237.1).

ClinVar aggregate classification (germline): Uncertain significance (1 of 4 stars; one submission).

gnomAD v4.1: 1 of 1,613,916 alleles (0.000062%); highest among the groups gnomAD compares: Non-Finnish European, 0.000085%; no homozygotes.

Submission:

Labcorp Genetics (formerly Invitae), Labcorp
Classification: Uncertain significance. Last evaluated: 2025-09-20. Review status: criteria provided, single submitter. Criteria: Invitae Variant Classification Sherloc (09022015). Collection method: clinical testing. Allele origin: germline.
Comment: This sequence change replaces serine, which is neutral and polar, with asparagine, which is neutral and polar, at codon 4158 of the HMCN1 protein (p.Ser4158Asn). This variant is not present in population databases (gnomAD no frequency). This variant has not been reported in the literature in individuals affected with HMCN1-related conditions. An algorithm developed to predict the effect of missense changes on protein structure and function (PolyPhen-2) suggests that this variant is likely to be disruptive. In summary, the available evidence is currently insufficient to determine the role of this variant in disease. Therefore, it has been classified as a Variant of Uncertain Significance.